The following is an entry in ClinVar:

ClinVar aggregate classification (germline): Uncertain significance (1 of 4 stars; one submission).

Conditions:
Galactosylceramide beta-galactosidase deficiency. Also called: GALACTOCEREBROSIDASE DEFICIENCY; GALC DEFICIENCY; GLOBOID CELL LEUKOENCEPHALOPATHY; Leukodystrophy, Globoid Cell; Krabbe Disease. Identifiers: Orphanet 487, MedGen C0023521, MONDO:0009499, OMIM 245200.

Allele frequency attached by ClinVar (database versions not stated): gnomAD exomes below 0.00001.
gnomAD v4.1: 2 of 1,595,934 alleles (0.00013%); highest among the groups gnomAD compares: Non-Finnish European, 0.00017%; no homozygotes.

Submission:

Labcorp Genetics (formerly Invitae), Labcorp
Classification: Uncertain significance for Galactosylceramide beta-galactosidase deficiency. Last evaluated: 2022-09-01. Review status: criteria provided, single submitter. Criteria: Invitae Variant Classification Sherloc (09022015). Collection method: clinical testing. Allele origin: germline.
Comment: This variant is not present in population databases (gnomAD no frequency). In summary, the available evidence is currently insufficient to determine the role of this variant in disease. Therefore, it has been classified as a Variant of Uncertain Significance. Advanced modeling of protein sequence and biophysical properties (such as structural, functional, and spatial information, amino acid conservation, physicochemical variation, residue mobility, and thermodynamic stability) performed at Invitae indicates that this missense variant is not expected to disrupt GALC protein function. ClinVar contains an entry for this variant (Variation ID: 1521675). This variant has not been reported in the literature in individuals affected with GALC-related conditions. This sequence change replaces threonine, which is neutral and polar, with isoleucine, which is neutral and non-polar, at codon 573 of the GALC protein (p.Thr573Ile).

NM_000153.4(GALC):c.1718C>T (p.Thr573Ile)

Gene: GALC (galactosylceramidase; minus strand). Cytogenetic location: 14q31.3.
Variant type: single nucleotide variant.
Coding change: c.1718C>T on transcript NM_000153.4 (MANE Select); coding-DNA position 1718, C replaced by T.
Protein change: p.Thr573Ile; replaces threonine 573 with isoleucine.
Molecular consequence: missense variant.
Genome position (GRCh38, 1-based): chr14:87,941,511, G>A on the plus strand (C>T on the coding strand, the complement: GALC is on the minus strand). VCF-style: chr14-87941511-G-A. GRCh37 (hg19) VCF-style: chr14-88407855-G-A.
Other names: c.1649C>T, p.Thr550Ile (NM_001201401.2); c.1640C>T, p.Thr547Ile (NM_001201402.2); short protein forms T550I, T573I, T547I.
Identifiers: ClinVar variation 1521675 (VCV001521675.8), dbSNP rs2139941538, ClinGen allele CA390745828.